The following is an entry in ClinVar:

ClinVar aggregate classification (germline): Benign. Review status: criteria provided, multiple submitters, no conflicts (2 of 4 stars). 5 submissions from 5 submitters: Benign (5). Last evaluated 2025-12-09.

Allele frequency attached by ClinVar (database versions not stated): gnomAD exomes 0.00189; ExAC 0.00247; gnomAD 0.00700 and 0.00747; TOPMed 0.00784; 1000 Genomes Project 30x 0.00812; 1000 Genomes Project 0.00819; ESP Exome Variant Server 0.00824.
gnomAD v4.1: 2,105 of 1,613,428 alleles (0.13%); highest among the groups gnomAD compares: African/African-American, 2.5%; 31 homozygotes.

Submissions (5):

Labcorp Genetics (formerly Invitae), Labcorp
Classification: Benign. Last evaluated: 2025-12-09. Review status: criteria provided, single submitter. Criteria: Invitae Variant Classification Sherloc (09022015). Collection method: clinical testing. Allele origin: germline.

Athena Diagnostics
Classification: Benign. Last evaluated: 2019-02-27. Review status: criteria provided, single submitter. Criteria: Athena Diagnostics Criteria. Collection method: clinical testing. Allele origin: germline.

GeneDx
Classification: Benign. Last evaluated: 2018-12-28. Review status: criteria provided, single submitter. Criteria: GeneDx Variant Classification Process June 2021. Collection method: clinical testing. Allele origin: germline. Affected: yes.

Laboratory for Molecular Medicine, Mass General Brigham Personalized Medicine
Classification: Benign. Last evaluated: 2017-08-23. Review status: criteria provided, single submitter. Criteria: LMM Criteria. Collection method: clinical testing. Allele origin: germline. Observed: 1 variant allele.
Comment: p.Arg94Gly in exon 4 of CABP2: This variant is not expected to have clinical sig nificance because it has been identified in 2.71% (280/10336) of African chromos omes by the Exome Aggregation Consortium (ExAC; dbSNP rs139895134).

Breakthrough Genomics
Classification: Benign. Review status: criteria provided, single submitter. Criteria: ACMG Guidelines, 2015. Collection method: not provided. Allele origin: germline. Inheritance: Autosomal recessive inheritance. Affected: yes.

NM_016366.3(CABP2):c.280C>G (p.Arg94Gly)

Gene: CABP2 (calcium binding protein 2; minus strand). Cytogenetic location: 11q13.2.
Variant type: single nucleotide variant.
Coding change: c.280C>G on transcript NM_016366.3 (MANE Select); coding-DNA position 280, C replaced by G.
Protein change: p.Arg94Gly; replaces arginine 94 with glycine.
Molecular consequence: missense variant.
Genome position (GRCh38, 1-based): chr11:67,521,124, G>C on the plus strand (C>G on the coding strand, the complement: CABP2 is on the minus strand). VCF-style: chr11-67521124-G-C. GRCh37 (hg19) VCF-style: chr11-67288595-G-C.
Other names: p.Arg94Gly; c.298C>G, p.Arg100Gly (NM_001318496.2); short protein forms R94G, R100G.
Identifiers: ClinVar variation 509126 (VCV000509126.16), dbSNP rs139895134, ClinGen allele CA6142513.